The following is an entry in ClinVar:

NM_004618.5(TOP3A):c.2149A>C (p.Lys717Gln)

Gene: TOP3A (DNA topoisomerase III alpha; minus strand). Cytogenetic location: 17p11.2.
Variant type: single nucleotide variant.
Coding change: c.2149A>C on transcript NM_004618.5 (MANE Select); coding-DNA position 2149, A replaced by C.
Protein change: p.Lys717Gln; replaces lysine 717 with glutamine.
Molecular consequence: missense variant.
Genome position (GRCh38, 1-based): chr17:18,278,353, T>G on the plus strand (A>C on the coding strand, the complement: TOP3A is on the minus strand). VCF-style: chr17-18278353-T-G. GRCh37 (hg19) VCF-style: chr17-18181667-T-G.
Other names: c.1864A>C, p.Lys622Gln (NM_001320759.2); short protein forms K622Q, K717Q.
Identifiers: ClinVar variation 2197493 (VCV002197493.3), dbSNP rs139139309, ClinGen allele CA8429676.

ClinVar aggregate classification (germline): Uncertain significance. Review status: criteria provided, multiple submitters, no conflicts (2 of 4 stars). 2 submissions from 2 submitters: Uncertain significance (2). Last evaluated 2024-07-12.

Allele frequency attached by ClinVar (database versions not stated): ESP Exome Variant Server 0.00008; gnomAD 0.00009; ExAC 0.00013; gnomAD exomes 0.00013; TOPMed 0.00013.
gnomAD v4.1: 204 of 1,511,732 alleles (0.013%); highest among the groups gnomAD compares: Middle Eastern, 0.11%; no homozygotes.

Submissions (2):

Blueprint Genetics
Classification: Uncertain significance. Last evaluated: 2024-07-12. Review status: criteria provided, single submitter. Criteria: ACMG Guidelines, 2015. Collection method: clinical testing. Allele origin: germline.

Labcorp Genetics (formerly Invitae), Labcorp
Classification: Uncertain significance. Last evaluated: 2024-01-24. Review status: criteria provided, single submitter. Criteria: Invitae Variant Classification Sherloc (09022015). Collection method: clinical testing. Allele origin: germline.
Comment: This sequence change replaces lysine, which is basic and polar, with glutamine, which is neutral and polar, at codon 717 of the TOP3A protein (p.Lys717Gln). This variant is present in population databases (rs139139309, gnomAD 0.02%). This variant has not been reported in the literature in individuals affected with TOP3A-related conditions. ClinVar contains an entry for this variant (Variation ID: 2197493). An algorithm developed to predict the effect of missense changes on protein structure and function (PolyPhen-2) suggests that this variant is likely to be disruptive. In summary, the available evidence is currently insufficient to determine the role of this variant in disease. Therefore, it has been classified as a Variant of Uncertain Significance.